The following is an entry in ClinVar:

ClinVar aggregate classification (germline): Conflicting classifications of pathogenicity. Review status: criteria provided, conflicting classifications (1 of 4 stars). 4 submissions from 4 submitters: Uncertain significance (2); Likely benign (1). 1 of the submissions does not count toward it. Last evaluated 2025-12-01.

Conditions:
Ehlers-Danlos syndrome, classic type, 1 (EDSCL1). Also called: EHLERS-DANLOS SYNDROME, GRAVIS TYPE; EHLERS-DANLOS SYNDROME, SEVERE CLASSIC TYPE; EDS I; Ehlers-Danlos Syndrome, Classic Type, COL5A1-Related; Ehlers-Danlos syndrome, type 1. Identifiers: MedGen C0268335, MONDO:0019567, OMIM 130000.
Familial thoracic aortic aneurysm and aortic dissection (TAAD). Also called: Thoracic aortic aneurysms and dissections. Identifiers: Orphanet 91387, MedGen C4707243, MONDO:0019625.

Allele frequency attached by ClinVar (database versions not stated): gnomAD 0.00001; gnomAD exomes 0.00001 and 0.00003; TOPMed 0.00001; ExAC 0.00003.
gnomAD v4.1: 10 of 1,613,414 alleles (0.00062%); highest among the groups gnomAD compares: East Asian, 0.022%; no homozygotes.

Submissions (4):

Labcorp Genetics (formerly Invitae), Labcorp
Classification: Likely benign for Ehlers-Danlos syndrome, classic type, 1. Last evaluated: 2025-12-01. Review status: criteria provided, single submitter. Criteria: Invitae Variant Classification Sherloc (09022015). Collection method: clinical testing. Allele origin: germline.

Ambry Genetics
Classification: Uncertain significance for Familial thoracic aortic aneurysm and aortic dissection. Last evaluated: 2023-11-03. Review status: criteria provided, single submitter. Criteria: Ambry Variant Classification Scheme 2023. Collection method: clinical testing. Allele origin: germline.
Comment: The p.A1024V variant (also known as c.3071C>T), located in coding exon 44 of the COL5A2 gene, results from a C to T substitution at nucleotide position 3071. The alanine at codon 1024 is replaced by valine, an amino acid with similar properties. This amino acid position is not well conserved in available vertebrate species. In addition, the in silico prediction for this alteration is inconclusive. Since supporting evidence is limited at this time, the clinical significance of this alteration remains unclear.

ARUP Laboratories, Molecular Genetics and Genomics, ARUP Laboratories
Classification: Uncertain significance. Last evaluated: 2017-01-09. Review status: criteria provided, single submitter. Criteria: ARUP Molecular Germline Variant Investigation Process. Collection method: clinical testing. Allele origin: germline.

Department of Pathology and Laboratory Medicine, Sinai Health System
Classification: Uncertain significance. Review status: no assertion criteria provided. Collection method: clinical testing. Allele origin: unknown. Affected: yes. Study: The Canadian Open Genetics Repository (COGR). Not counted in ClinVar's aggregate classification.
Comment: The COL5A2 p.Ala1024Val variant was not identified in the literature nor was it identified in Cosmic or LOVD 3.0. The variant was identified in dbSNP (ID: rs763462242) and in ClinVar (classified as a VUS by ARUP Laboratories). The variant was identified in control databases in 8 of 249996 chromosomes at a frequency of 0.000032 (Genome Aggregation Database Feb 27, 2017). The variant was observed in the East Asian population in 8 of 18334 chromosomes (freq: 0.000436), but not in the African, Latino, Ashkenazi Jewish, European (Finnish), European (non-Finnish), Other, and South Asian populations. The p.Ala1024 residue is conserved in mammals but not in more distantly related organisms, however four out of five computational analyses (PolyPhen-2, SIFT, AlignGVGD, BLOSUM, MutationTaster) do not suggest a high likelihood of impact to the protein; this information is not predictive enough to rule out pathogenicity. The variant occurs outside of the splicing consensus sequence and in silico or computational prediction software programs (SpliceSiteFinder, MaxEntScan, NNSPLICE, GeneSplicer) do not predict a difference in splicing. In summary, based on the above information the clinical significance of this variant cannot be determined with certainty at this time. This variant is classified as a variant of uncertain significance.

NM_000393.5(COL5A2):c.3071C>T (p.Ala1024Val)

Gene: COL5A2 (collagen type V alpha 2 chain; minus strand). Cytogenetic location: 2q32.2.
Variant type: single nucleotide variant.
Coding change: c.3071C>T on transcript NM_000393.5 (MANE Select); coding-DNA position 3071, C replaced by T.
Protein change: p.Ala1024Val; replaces alanine 1024 with valine.
Molecular consequence: missense variant.
Genome position (GRCh38, 1-based): chr2:189,049,423, G>A on the plus strand (C>T on the coding strand, the complement: COL5A2 is on the minus strand). VCF-style: chr2-189049423-G-A. GRCh37 (hg19) VCF-style: chr2-189914149-G-A.
Other names: c.3071C>T (NM_000393.3); short protein forms A1024V.
Identifiers: ClinVar variation 439542 (VCV000439542.18), dbSNP rs763462242, ClinGen allele CA2022115.